The following is an entry in ClinVar:

ClinVar aggregate classification (germline): Uncertain significance. Review status: criteria provided, multiple submitters, no conflicts (2 of 4 stars). 2 submissions from 2 submitters: Uncertain significance (2). Last evaluated 2025-01-13.

Conditions:
Inborn genetic diseases. Identifiers: MedGen C0950123, MeSH D030342.

Submissions (2):

Ambry Genetics
Classification: Uncertain significance for Inborn genetic diseases. Last evaluated: 2025-01-13. Review status: criteria provided, single submitter. Criteria: Ambry Variant Classification Scheme 2023. Collection method: clinical testing. Allele origin: germline.
Comment: The p.I971M variant (also known as c.2913A>G), located in coding exon 24 of the ANKRD26 gene, results from an A to G substitution at nucleotide position 2913. The isoleucine at codon 971 is replaced by methionine, an amino acid with highly similar properties. This amino acid position is conserved. In addition, this alteration is predicted to be tolerated by in silico analysis. Based on the available evidence, the clinical significance of this variant remains unclear.

Labcorp Genetics (formerly Invitae), Labcorp
Classification: Uncertain significance. Last evaluated: 2023-06-09. Review status: criteria provided, single submitter. Criteria: Invitae Variant Classification Sherloc (09022015). Collection method: clinical testing. Allele origin: germline.
Comment: In summary, the available evidence is currently insufficient to determine the role of this variant in disease. Therefore, it has been classified as a Variant of Uncertain Significance. An algorithm developed to predict the effect of missense changes on protein structure and function (PolyPhen-2) suggests that this variant is likely to be disruptive. This variant has not been reported in the literature in individuals affected with ANKRD26-related conditions. This variant is not present in population databases (gnomAD no frequency). This sequence change replaces isoleucine, which is neutral and non-polar, with methionine, which is neutral and non-polar, at codon 971 of the ANKRD26 protein (p.Ile971Met).

NM_014915.3(ANKRD26):c.2913A>G (p.Ile971Met)

Gene: ANKRD26 (ankyrin repeat domain 26; minus strand). Cytogenetic location: 10p12.1.
Variant type: single nucleotide variant.
Coding change: c.2913A>G on transcript NM_014915.3 (MANE Select); coding-DNA position 2913, A replaced by G.
Protein change: p.Ile971Met; replaces isoleucine 971 with methionine.
Molecular consequence: missense variant.
Genome position (GRCh38, 1-based): chr10:27,035,537, T>C on the plus strand (A>G on the coding strand, the complement: ANKRD26 is on the minus strand). VCF-style: chr10-27035537-T-C. GRCh37 (hg19) VCF-style: chr10-27324466-T-C.
Other names: c.2910A>G, p.Ile970Met (NM_001256053.2); short protein forms I971M, I970M.
Identifiers: ClinVar variation 2885472 (VCV002885472.4), dbSNP rs2538766170, ClinGen allele CA376365006.